The following is an entry in ClinVar:

ClinVar aggregate classification (germline): Uncertain significance (1 of 4 stars; one submission).

Conditions:
Early-onset Lafora body disease. Also called: Epilepsy, progressive myoclonic, 10. Identifiers: Orphanet 324290, MedGen C4225258, MONDO:0014717, OMIM 616640.

Allele frequency attached by ClinVar (database versions not stated): gnomAD exomes 0.00001; gnomAD 0.00009; TOPMed 0.00009; 1000 Genomes Project 30x 0.00047.

Submission:

Labcorp Genetics (formerly Invitae), Labcorp
Classification: Uncertain significance for Early-onset Lafora body disease. Last evaluated: 2023-11-28. Review status: criteria provided, single submitter. Criteria: Invitae Variant Classification Sherloc (09022015). Collection method: clinical testing. Allele origin: germline.
Comment: This sequence change replaces arginine, which is basic and polar, with lysine, which is basic and polar, at codon 456 of the PRDM8 protein (p.Arg456Lys). This variant is present in population databases (no rsID available, gnomAD 0.1%). This variant has not been reported in the literature in individuals affected with PRDM8-related conditions. ClinVar contains an entry for this variant (Variation ID: 475667). Advanced modeling of protein sequence and biophysical properties (such as structural, functional, and spatial information, amino acid conservation, physicochemical variation, residue mobility, and thermodynamic stability) performed at Invitae indicates that this missense variant is not expected to disrupt PRDM8 protein function with a negative predictive value of 80%. In summary, the available evidence is currently insufficient to determine the role of this variant in disease. Therefore, it has been classified as a Variant of Uncertain Significance.

NM_001099403.2(PRDM8):c.1367G>A (p.Arg456Lys)

Gene: PRDM8 (PR/SET domain 8; plus strand). Cytogenetic location: 4q21.21.
Variant type: single nucleotide variant.
Coding change: c.1367G>A on transcript NM_001099403.2 (MANE Select); coding-DNA position 1367, G replaced by A.
Protein change: p.Arg456Lys; replaces arginine 456 with lysine.
Molecular consequence: missense variant.
Genome position (GRCh38, 1-based): chr4:80,202,829, G>A. VCF-style: chr4-80202829-G-A. GRCh37 (hg19) VCF-style: chr4-81123983-G-A.
Other names: c.1367G>A, p.Arg456Lys (NM_020226.4); short protein forms R456K.
Identifiers: ClinVar variation 475667 (VCV000475667.8), dbSNP rs940171879, ClinGen allele CA100000985.